The following is an entry in ClinVar:

NM_014014.5(SNRNP200):c.4393-7T>C

Gene: SNRNP200 (small nuclear ribonucleoprotein U5 subunit 200; minus strand). Cytogenetic location: 2q11.2.
Variant type: single nucleotide variant.
Coding change: c.4393-7T>C on transcript NM_014014.5 (MANE Select); 7 bases into the intron before coding-DNA position 4393, T replaced by C.
Molecular consequence: intron variant.
Genome position (GRCh38, 1-based): chr2:96,284,011, A>G on the plus strand (T>C on the coding strand, the complement: SNRNP200 is on the minus strand). VCF-style: chr2-96284011-A-G. GRCh37 (hg19) VCF-style: chr2-96949749-A-G.
Other names: c.4393-7T>C (NM_014014.4).
Identifiers: ClinVar variation 1099476 (VCV001099476.11), dbSNP rs774572762, ClinGen allele CA1778213.

ClinVar aggregate classification (germline): Likely benign. Review status: criteria provided, multiple submitters, no conflicts (2 of 4 stars). 3 submissions from 3 submitters: Likely benign (3). Last evaluated 2026-08-04.

Conditions:
SNRNP200-related disorder. Also called: SNRNP200-related condition.

Allele frequency attached by ClinVar (database versions not stated): gnomAD 0.00001; gnomAD exomes 0.00003; TOPMed 0.00003.
gnomAD v4.1: 8 of 841,940 alleles (0.00095%); highest among the groups gnomAD compares: Admixed American, 0.013%; no homozygotes.

Submissions (3):

PreventionGenetics, part of Exact Sciences
Classification: Likely benign for SNRNP200-related condition. Last evaluated: 2026-08-04. Review status: criteria provided, single submitter. Criteria: ACMG Guidelines, 2015. Collection method: clinical testing. Allele origin: germline.
Comment: This variant is classified as likely benign based on ACMG/AMP sequence variant interpretation guidelines (Richards et al. 2015 PMID: 25741868, with internal and published modifications).

Labcorp Genetics (formerly Invitae), Labcorp
Classification: Likely benign. Last evaluated: 2024-01-17. Review status: criteria provided, single submitter. Criteria: Invitae Variant Classification Sherloc (09022015). Collection method: clinical testing. Allele origin: germline.

Blueprint Genetics
Classification: Likely benign. Last evaluated: 2020-01-15. Review status: criteria provided, single submitter. Criteria: ACMG Guidelines, 2015. Collection method: clinical testing. Allele origin: germline.